The following is an entry in ClinVar:

NM_001039591.3(USP9X):c.2637-9T>G

Gene: USP9X (ubiquitin specific peptidase 9 X-linked; plus strand). Cytogenetic location: Xp11.4.
Variant type: single nucleotide variant.
Coding change: c.2637-9T>G on transcript NM_001039591.3 (MANE Select); 9 bases into the intron before coding-DNA position 2637, T replaced by G.
Molecular consequence: intron variant.
Genome position (GRCh38, 1-based): chrX:41,169,986, T>G. VCF-style: chrX-41169986-T-G. GRCh37 (hg19) VCF-style: chrX-41029239-T-G.
Other names: c.2637-9T>G (NM_001039590.3).
Identifiers: ClinVar variation 668666 (VCV000668666.1), dbSNP rs996273459, ClinGen allele CA915951043.
Genomic context (GRCh38, chrX:41,169,986, plus strand): 5'-TATTTTCTTGGCAACAAAATTTCAGAGTCTGCTGAATATGATGATGTCTGTCTTTCTTTT[T>G]CCCCCCAGAGCATTCCGCGGTAAACACCTCTCTTTTGTAGTTCGATTTCCAAACCAGGGC-3'

ClinVar aggregate classification (germline): Likely benign (1 of 4 stars; one submission).

Submission:

GeneDx
Classification: Likely benign. Last evaluated: 2018-06-05. Review status: criteria provided, single submitter. Criteria: GeneDx Variant Classification (06012015). Collection method: clinical testing. Allele origin: germline. Affected: yes.
Comment: This variant is considered likely benign or benign based on one or more of the following criteria: it is a conservative change, it occurs at a poorly conserved position in the protein, it is predicted to be benign by multiple in silico algorithms, and/or has population frequency not consistent with disease.